The following is an entry in ClinVar:

ClinVar aggregate classification (germline): Conflicting classifications of pathogenicity. Review status: criteria provided, conflicting classifications (1 of 4 stars). 4 submissions from 4 submitters: Uncertain significance (3); Likely benign (1). Last evaluated 2026-04-01.

Conditions:
Cardiovascular phenotype. Identifiers: MedGen CN230736.
Danon disease. Also called: PSEUDOGLYCOGENOSIS II; GSD IIb; LYSOSOMAL GLYCOGEN STORAGE DISEASE WITHOUT ACID MALTASE DEFICIENCY; ANTOPOL DISEASE; Glycogen Storage Disease Type IIb. Identifiers: Orphanet 34587, MedGen C0878677, MONDO:0010281, OMIM 300257.

Allele frequency attached by ClinVar (database versions not stated): gnomAD exomes below 0.00001; gnomAD 0.00001; TOPMed 0.00001.
gnomAD v4.1: 5 of 1,210,972 alleles (0.00041%); highest among the groups gnomAD compares: African/African-American, 0.0017%; no homozygotes.

Submissions (4):

CeGaT Center for Human Genetics Tuebingen
Classification: Likely benign. Last evaluated: 2026-04-01. Review status: criteria provided, single submitter. Criteria: CeGaT Center For Human Genetics Tuebingen Variant Classification Criteria Version 2. Collection method: clinical testing. Allele origin: germline. Affected: yes. Observed: 1 variant allele.
Comment: LAMP2: BP4

Labcorp Genetics (formerly Invitae), Labcorp
Classification: Uncertain significance for Danon disease. Last evaluated: 2024-03-24. Review status: criteria provided, single submitter. Criteria: Invitae Variant Classification Sherloc (09022015). Collection method: clinical testing. Allele origin: germline.
Comment: This sequence change replaces proline, which is neutral and non-polar, with leucine, which is neutral and non-polar, at codon 8 of the LAMP2 protein (p.Pro8Leu). This variant is not present in population databases (gnomAD no frequency). This variant has not been reported in the literature in individuals affected with LAMP2-related conditions. ClinVar contains an entry for this variant (Variation ID: 239117). An algorithm developed to predict the effect of missense changes on protein structure and function (PolyPhen-2) suggests that this variant¬†is likely to be tolerated. In summary, the available evidence is currently insufficient to determine the role of this variant in disease. Therefore, it has been classified as a Variant of Uncertain Significance.

Ambry Genetics
Classification: Uncertain significance for Cardiovascular phenotype. Last evaluated: 2022-08-29. Review status: criteria provided, single submitter. Criteria: Ambry Variant Classification Scheme 2023. Collection method: clinical testing. Allele origin: germline.
Comment: The p.P8L variant (also known as c.23C>T), located in coding exon 1 of the LAMP2 gene, results from a C to T substitution at nucleotide position 23. The proline at codon 8 is replaced by leucine, an amino acid with similar properties. This amino acid position is not well conserved in available vertebrate species. In addition, this alteration is predicted to be tolerated by in silico analysis. Since supporting evidence is limited at this time, the clinical significance of this alteration remains unclear.

Stanford Center for Inherited Cardiovascular Disease, Stanford University
Classification: Uncertain significance. Last evaluated: 2016-01-27. Review status: criteria provided, single submitter. Criteria: ACMG Guidelines, 2015. Collection method: provider interpretation. Allele origin: germline.

NM_002294.3(LAMP2):c.23C>T (p.Pro8Leu)

Gene: LAMP2 (lysosome associated membrane protein 2; minus strand). Cytogenetic location: Xq24.
Variant type: single nucleotide variant.
Coding change: c.23C>T on transcript NM_002294.3 (MANE Select); coding-DNA position 23, C replaced by T.
Protein change: p.Pro8Leu; replaces proline 8 with leucine.
Molecular consequence: missense variant.
Genome position (GRCh38, 1-based): chrX:120,469,147, G>A on the plus strand (C>T on the coding strand, the complement: LAMP2 is on the minus strand). VCF-style: chrX-120469147-G-A. GRCh37 (hg19) VCF-style: chrX-119603002-G-A.
Other names: c.23C>T, p.Pro8Leu (NM_001122606.1, NM_013995.2); short protein forms P8L.
Identifiers: ClinVar variation 239117 (VCV000239117.15), dbSNP rs878854484, ClinGen allele CA10583929.